The following is an entry in ClinVar:

NM_000204.5(CFI):c.310G>A (p.Gly104Arg)

Gene: CFI (complement factor I; minus strand). Cytogenetic location: 4q25.
Variant type: single nucleotide variant.
Coding change: c.310G>A on transcript NM_000204.5 (MANE Select); coding-DNA position 310, G replaced by A.
Protein change: p.Gly104Arg; replaces glycine 104 with arginine.
Molecular consequence: missense variant. On other transcripts: non-coding transcript variant (3), intron variant (1).
Genome position (GRCh38, 1-based): chr4:109,766,572, C>T on the plus strand (G>A on the coding strand, the complement: CFI is on the minus strand). VCF-style: chr4-109766572-C-T. GRCh37 (hg19) VCF-style: chr4-110687728-C-T.
Other names: c.310G>A, p.Gly104Arg (NM_001318057.2, NM_001331035.2, NM_001375278.1 and 5 more transcripts); c.-127-4880G>A (NM_001375284.1); short protein forms G104R.
Identifiers: ClinVar variation 522480 (VCV000522480.8), dbSNP rs200419722, ClinGen allele CA3042322.

ClinVar aggregate classification (germline): Conflicting classifications of pathogenicity. Review status: criteria provided, conflicting classifications (1 of 4 stars). 5 submissions from 5 submitters: Likely pathogenic (1); Uncertain significance (3). 1 of the submissions does not count toward it. Last evaluated 2024-06-26.

Conditions:
Factor I deficiency (CFID). Also called: Complement factor I deficiency. Identifiers: Orphanet 200418, MedGen C3463916, MONDO:0012594, OMIM 610984.
Atypical hemolytic-uremic syndrome with I factor anomaly. Also called: HEMOLYTIC UREMIC SYNDROME, ATYPICAL, SUSCEPTIBILITY TO, 3; AHUS, SUSCEPTIBILITY TO, 3. Identifiers: Orphanet 2134, MedGen C2752039, MONDO:0013041, OMIM 612923.
Age related macular degeneration 13. Identifiers: MedGen C3809523, MONDO:0014189, OMIM 615439.

Allele frequency attached by ClinVar (database versions not stated): gnomAD 0.00002; TOPMed 0.00002; gnomAD exomes 0.00006; ExAC 0.00009; 1000 Genomes Project 30x 0.00047; 1000 Genomes Project 0.00060.
gnomAD v4.1: 12 of 1,614,120 alleles (0.00074%); highest among the groups gnomAD compares: East Asian, 0.013%; no homozygotes.

Submissions (5):

Labcorp Genetics (formerly Invitae), Labcorp
Classification: Uncertain significance. Last evaluated: 2024-06-26. Review status: criteria provided, single submitter. Criteria: Invitae Variant Classification Sherloc (09022015). Collection method: clinical testing. Allele origin: germline.
Comment: This sequence change replaces glycine, which is neutral and non-polar, with arginine, which is basic and polar, at codon 104 of the CFI protein (p.Gly104Arg). This variant is present in population databases (rs200419722, gnomAD 0.04%). This variant has not been reported in the literature in individuals affected with CFI-related conditions. ClinVar contains an entry for this variant (Variation ID: 522480). Advanced modeling of protein sequence and biophysical properties (such as structural, functional, and spatial information, amino acid conservation, physicochemical variation, residue mobility, and thermodynamic stability) performed at Invitae indicates that this missense variant is expected to disrupt CFI protein function with a positive predictive value of 80%. In summary, the available evidence is currently insufficient to determine the role of this variant in disease. Therefore, it has been classified as a Variant of Uncertain Significance.

Blueprint Genetics
Classification: Uncertain significance. Last evaluated: 2024-06-14. Review status: criteria provided, single submitter. Criteria: ACMG Guidelines, 2015. Collection method: clinical testing. Allele origin: germline.

Fulgent Genetics
Classification: Uncertain significance for Factor I deficiency; Atypical hemolytic-uremic syndrome with I factor anomaly; Age related macular degeneration 13. Last evaluated: 2024-06-07. Review status: criteria provided, single submitter. Criteria: ACMG Guidelines, 2015. Collection method: clinical testing. Allele origin: germline.

Kasturba Medical College, Manipal, Kasturba Medical College, Manipal, Manipal Academy of Higher Education, Manipal, India
Classification: Likely pathogenic for Factor I deficiency. Review status: criteria provided, single submitter. Criteria: ACMG Guidelines, 2015. Collection method: research. Allele origin: maternal. Inheritance: Autosomal recessive inheritance. Affected: yes. Observed: 1 homozygote.
Comment: The missense variant c.310G>A, p.(Gly104Arg) in exon 2 of CFI was observed in homozygous state. Biallelic variants in CFI are associated with complement factor I deficiency. The variant is present in twelve individuals in heterozygous state and absent in homozygous state in gnomAD (v4.1.0). This variant is absent in our in-house database of 3518 exomes. In silico prediction tools (REVEL and MutationTaster) are consistent in predicting the variant to be damaging to CFI protein function. This variant has been reported as likely pathogenic and variant of uncertain significance by two submitters respectively, in ClinVar database (ClinVar ID: VCV000522480.4). Additionally, a stop gain variant at the same position, c.310G>T p.(Gly104Ter), has been reported as pathogenic in ClinVar database (ClinVar ID: VCV002744663.1).

Bioscientia Institut fuer Medizinische Diagnostik GmbH, Sonic Healthcare
Classification: Likely pathogenic for Atypical hemolytic-uremic syndrome with I factor anomaly. Last evaluated: 2017-09-18. Review status: no assertion criteria provided. Collection method: clinical testing. Allele origin: germline. Affected: yes. Not counted in ClinVar's aggregate classification.